The following is an entry in ClinVar:

ClinVar aggregate classification (germline): Uncertain significance. Review status: criteria provided, multiple submitters, no conflicts (2 of 4 stars). 2 submissions from 2 submitters: Uncertain significance (2). Last evaluated 2024-12-03.

Conditions:
Inborn genetic diseases. Identifiers: MedGen C0950123, MeSH D030342.
Left ventricular noncompaction 8 (LVNC8). Identifiers: Orphanet 154, Orphanet 54260, MedGen C3809288, MONDO:0014152, OMIM 615373.

Allele frequency attached by ClinVar (database versions not stated): gnomAD exomes 0.00003; TOPMed 0.00004; gnomAD 0.00005; ExAC 0.00006; ESP Exome Variant Server 0.00016.
gnomAD v4.1: 44 of 1,613,894 alleles (0.0027%); highest among the groups gnomAD compares: South Asian, 0.012%; no homozygotes.

Submissions (2):

Ambry Genetics
Classification: Uncertain significance for Inborn genetic diseases. Last evaluated: 2024-12-03. Review status: criteria provided, single submitter. Criteria: Ambry Variant Classification Scheme 2023. Collection method: clinical testing. Allele origin: germline.

Labcorp Genetics (formerly Invitae), Labcorp
Classification: Uncertain significance for Left ventricular noncompaction 8. Last evaluated: 2024-05-28. Review status: criteria provided, single submitter. Criteria: Invitae Variant Classification Sherloc (09022015). Collection method: clinical testing. Allele origin: germline.
Comment: This sequence change replaces leucine, which is neutral and non-polar, with proline, which is neutral and non-polar, at codon 1254 of the PRDM16 protein (p.Leu1254Pro). This variant is present in population databases (rs367785185, gnomAD 0.006%). This variant has not been reported in the literature in individuals affected with PRDM16-related conditions. ClinVar contains an entry for this variant (Variation ID: 1488549). An algorithm developed to predict the effect of missense changes on protein structure and function (PolyPhen-2) suggests that this variant is likely to be tolerated. In summary, the available evidence is currently insufficient to determine the role of this variant in disease. Therefore, it has been classified as a Variant of Uncertain Significance.

NM_022114.4(PRDM16):c.3761T>C (p.Leu1254Pro)

Gene: PRDM16 (PR/SET domain 16; plus strand). Cytogenetic location: 1p36.32.
Variant type: single nucleotide variant.
Coding change: c.3761T>C on transcript NM_022114.4 (MANE Select); coding-DNA position 3761, T replaced by C.
Protein change: p.Leu1254Pro; replaces leucine 1254 with proline.
Molecular consequence: missense variant.
Genome position (GRCh38, 1-based): chr1:3,433,741, T>C. VCF-style: chr1-3433741-T-C. GRCh37 (hg19) VCF-style: chr1-3350305-T-C.
Other names: c.3704T>C, p.Leu1235Pro (NM_199454.3); c.3761T>C (NM_022114.3); short protein forms L1235P, L1254P.
Identifiers: ClinVar variation 1488549 (VCV001488549.9), dbSNP rs367785185, ClinGen allele CA544979.